The following is an entry in ClinVar:

NM_002471.4(MYH6):c.3978+5G>C

Gene: MYH6 (myosin heavy chain 6; minus strand). Cytogenetic location: 14q11.2.
Variant type: single nucleotide variant.
Coding change: c.3978+5G>C on transcript NM_002471.4 (MANE Select); 5 bases into the intron after coding-DNA position 3978, G replaced by C.
Molecular consequence: intron variant.
Genome position (GRCh38, 1-based): chr14:23,389,388, C>G on the plus strand (G>C on the coding strand, the complement: MYH6 is on the minus strand). VCF-style: chr14-23389388-C-G. GRCh37 (hg19) VCF-style: chr14-23858597-C-G.
Identifiers: ClinVar variation 1736659 (VCV001736659.3), dbSNP rs778567356, ClinGen allele CA7115009.

ClinVar aggregate classification (germline): Uncertain significance. Review status: criteria provided, multiple submitters, no conflicts (2 of 4 stars). 2 submissions from 2 submitters: Uncertain significance (2). Last evaluated 2025-12-01.

Conditions:
Cardiovascular phenotype. Identifiers: MedGen CN230736.
Hypertrophic cardiomyopathy 14. Identifiers: MedGen C2750467, MONDO:0013197, OMIM 613251.

Allele frequency attached by ClinVar (database versions not stated): gnomAD exomes below 0.00001; ExAC 0.00001; TOPMed 0.00001.

Submissions (2):

Labcorp Genetics (formerly Invitae), Labcorp
Classification: Uncertain significance for Hypertrophic cardiomyopathy 14. Last evaluated: 2025-12-01. Review status: criteria provided, single submitter. Criteria: Invitae Variant Classification Sherloc (09022015). Collection method: clinical testing. Allele origin: germline.
Comment: This sequence change falls in intron 28 of the MYH6 gene. It does not directly change the encoded amino acid sequence of the MYH6 protein. It affects a nucleotide within the consensus splice site. This variant is present in population databases (rs778567356, gnomAD 0.002%). This variant has not been reported in the literature in individuals affected with MYH6-related conditions. ClinVar contains an entry for this variant (Variation ID: 1736659). Variants that disrupt the consensus splice site are a relatively common cause of aberrant splicing (PMID: 17576681, 9536098). Algorithms developed to predict the effect of sequence changes on RNA splicing suggest that this variant is not likely to affect RNA splicing. In summary, the available evidence is currently insufficient to determine the role of this variant in disease. Therefore, it has been classified as a Variant of Uncertain Significance.

Ambry Genetics
Classification: Uncertain significance for Cardiovascular phenotype. Last evaluated: 2021-06-14. Review status: criteria provided, single submitter. Criteria: Ambry Variant Classification Scheme 2023. Collection method: clinical testing. Allele origin: germline.
Comment: The c.3978+5G>C intronic variant results from a G to C substitution 5 nucleotides after coding exon 26 in the MYH6 gene. This nucleotide position is well conserved in available vertebrate species. In silico splice site analysis predicts that this alteration will not have any significant effect on splicing. Since supporting evidence is limited at this time, the clinical significance of this alteration remains unclear.

Literature cited by the submitters: PubMed 17576681 (cited by Labcorp Genetics (formerly Invitae), Labcorp); PubMed 9536098 (cited by Labcorp Genetics (formerly Invitae), Labcorp).